The following is an entry in ClinVar:

NM_001201543.2(FAM161A):c.*1100T>C

Gene: FAM161A (FAM161 centrosomal protein A; minus strand). Cytogenetic location: 2p15.
Variant type: single nucleotide variant.
Coding change: c.*1100T>C on transcript NM_001201543.2 (MANE Select); 1100 bases downstream of the stop codon, T replaced by C.
Molecular consequence: 3 prime UTR variant. On other transcripts: non-coding transcript variant (1).
Genome position (GRCh38, 1-based): chr2:61,825,355, A>G on the plus strand (T>C on the coding strand, the complement: FAM161A is on the minus strand). VCF-style: chr2-61825355-A-G. GRCh37 (hg19) VCF-style: chr2-62052490-A-G.
Other names: c.*1100T>C (NM_032180.3).
Identifiers: ClinVar variation 336719 (VCV000336719.29), dbSNP rs78512710, ClinGen allele CA1678858.

ClinVar aggregate classification (germline): Conflicting classifications of pathogenicity. Review status: criteria provided, conflicting classifications (1 of 4 stars). 2 submissions from 2 submitters: Uncertain significance (1); Benign (1). Last evaluated 2023-03-01.

Conditions:
Retinitis pigmentosa (RP). Identifiers: Orphanet 791, MedGen C0035334, MeSH D012174, MONDO:0019200, OMIM 268000. Inheritance: Autosomal dominant, autosomal recessive and X linked inheritance.

Allele frequency attached by ClinVar (database versions not stated): 1000 Genomes Project 30x 0.00515; 1000 Genomes Project 0.00519; TOPMed 0.00792; ExAC 0.00805; gnomAD exomes 0.00892 and 0.01093; gnomAD 0.00906 and 0.00922.
gnomAD v4.1: 4,674 of 454,192 alleles (1%); highest among the groups gnomAD compares: Non-Finnish European, 1.4%; 36 homozygotes.

Submissions (2):

CeGaT Center for Human Genetics Tuebingen
Classification: Benign. Last evaluated: 2023-03-01. Review status: criteria provided, single submitter. Criteria: CeGaT Center For Human Genetics Tuebingen Variant Classification Criteria Version 2. Collection method: clinical testing. Allele origin: germline. Affected: yes. Observed: 1 variant allele.
Comment: FAM161A: BS1, BS2

Illumina Laboratory Services, Illumina
Classification: Uncertain significance for Retinitis pigmentosa. Last evaluated: 2018-01-12. Review status: criteria provided, single submitter. Criteria: ICSL Variant Classification Criteria 13 December 2019. Collection method: clinical testing. Allele origin: germline.